The following is an entry in ClinVar:

ClinVar aggregate classification (germline): Uncertain significance (1 of 4 stars; one submission).

Conditions:
Neuropathy, hereditary sensory and autonomic, type 2A (HSAN2A). Also called: ACROOSTEOLYSIS, GIACCAI TYPE; ACROOSTEOLYSIS, NEUROGENIC; MORVAN DISEASE; NEUROPATHY, CONGENITAL SENSORY; NEUROPATHY, HEREDITARY SENSORY RADICULAR, AUTOSOMAL RECESSIVE; NEUROPATHY, HEREDITARY SENSORY, TYPE IIA. Identifiers: Orphanet 970, MedGen C2752089, MONDO:0024309, OMIM 201300.
Pseudohypoaldosteronism type 2C (PHA2C). Also called: Pseudohypoaldosteronism Type IIC. Identifiers: Orphanet 757, Orphanet 88940, MedGen C1840391, MONDO:0013778, OMIM 614492.

Allele frequency attached by ClinVar (database versions not stated): gnomAD exomes below 0.00001 and 0.00001.
gnomAD v4.1: 3 of 1,612,954 alleles (0.00019%); highest among the groups gnomAD compares: Non-Finnish European, 0.00025%; no homozygotes.

Submission:

Labcorp Genetics (formerly Invitae), Labcorp
Classification: Uncertain significance for Neuropathy, hereditary sensory and autonomic, type 2A; Pseudohypoaldosteronism type 2C. Last evaluated: 2025-08-15. Review status: criteria provided, single submitter. Criteria: Invitae Variant Classification Sherloc (09022015). Collection method: clinical testing. Allele origin: germline.
Comment: This sequence change replaces tyrosine, which is neutral and polar, with cysteine, which is neutral and slightly polar, at codon 913 of the WNK1 protein (p.Tyr913Cys). This variant is present in population databases (no rsID available, gnomAD 0.0009%). This variant has not been reported in the literature in individuals affected with WNK1-related conditions. ClinVar contains an entry for this variant (Variation ID: 1410679). Invitae Evidence Modeling of protein sequence and biophysical properties (such as structural, functional, and spatial information, amino acid conservation, physicochemical variation, residue mobility, and thermodynamic stability) indicates that this missense variant is not expected to disrupt WNK1 protein function with a negative predictive value of 95%. In summary, the available evidence is currently insufficient to determine the role of this variant in disease. Therefore, it has been classified as a Variant of Uncertain Significance.

NM_213655.5(WNK1):c.2738A>G (p.Tyr913Cys)

Gene: WNK1 (WNK lysine deficient protein kinase 1; plus strand). Cytogenetic location: 12p13.33.
Variant type: single nucleotide variant.
Coding change: c.2738A>G on transcript NM_213655.5 (MANE Plus Clinical); coding-DNA position 2738, A replaced by G.
Protein change: p.Tyr913Cys; replaces tyrosine 913 with cysteine.
Molecular consequence: missense variant. On other transcripts: intron variant (2).
Genome position (GRCh38, 1-based): chr12:868,209, A>G. VCF-style: chr12-868209-A-G. GRCh37 (hg19) VCF-style: chr12-977375-A-G.
Other names: c.2483A>G, p.Tyr828Cys (NM_001184985.2); c.2140-3056A>G (NM_018979.4, NM_014823.3); short protein forms Y913C, Y828C.
Identifiers: ClinVar variation 1410679 (VCV001410679.6), dbSNP rs1489571068, ClinGen allele CA383339517.